The following is an entry in ClinVar:

NM_000202.8(IDS):c.1123G>A (p.Glu375Lys)

Genes: IDS (iduronate 2-sulfatase; minus strand), LOC106050102 (IDS recombination region; plus strand). Cytogenetic location: Xq28.
Variant type: single nucleotide variant.
Coding change: c.1123G>A on transcript NM_000202.8 (MANE Select); coding-DNA position 1123, G replaced by A.
Protein change: p.Glu375Lys; replaces glutamic acid 375 with lysine.
Molecular consequence: missense variant.
Genome position (GRCh38, 1-based): chrX:149,486,982, C>T on the plus strand (G>A on the coding strand, the complement: IDS is on the minus strand). VCF-style: chrX-149486982-C-T. GRCh37 (hg19) VCF-style: chrX-148568513-C-T.
Other names: c.853G>A, p.Glu285Lys (NM_001166550.4); short protein forms E375K, E285K.
Identifiers: ClinVar variation 969056 (VCV000969056.6), dbSNP rs782634993, ClinGen allele CA10537499.

ClinVar aggregate classification (germline): Uncertain significance. Review status: criteria provided, single submitter (1 of 4 stars). 2 submissions from 2 submitters: Uncertain significance (1). 1 of the submissions does not count toward it. Last evaluated 2025-03-29.

Conditions:
Mucopolysaccharidosis, MPS-II (MPS2). Also called: IDURONATE 2-SULFATASE DEFICIENCY; Mucopolysaccharidosis Type II; Mucopolysaccharidosis with skin involvement; IDS deficiency; Sulfoiduronate sulfatase deficiency; SIDS deficiency. Identifiers: Orphanet 580, Orphanet 79388, MedGen C0026705, MONDO:0010674, OMIM 309900.
Mucopolysaccharidosis, MPS-III-A (MPS3A). Also called: mucopolysaccharidosis type 3A; MPS IIIA (Sanfilippo Syndrome Type A); HEPARAN SULFATE SULFATASE DEFICIENCY; MUCOPOLYSACCHARIDOSIS, TYPE IIIA, ATTENUATED; Mucopolysaccharidosis type IIIA (Sanfilippo A); Mucopolysaccharidosis, type IIIA. Identifiers: Orphanet 581, Orphanet 79269, MedGen C0086647, MONDO:0009655, OMIM 252900.

Allele frequency attached by ClinVar (database versions not stated): ExAC 0.00001; gnomAD exomes 0.00004 and 0.00001; TOPMed 0.00002.

Submissions (2):

Labcorp Genetics (formerly Invitae), Labcorp
Classification: Uncertain significance for Mucopolysaccharidosis, MPS-II. Last evaluated: 2025-03-29. Review status: criteria provided, single submitter. Criteria: Invitae Variant Classification Sherloc (09022015). Collection method: clinical testing. Allele origin: germline.
Comment: This sequence change replaces glutamic acid, which is acidic and polar, with lysine, which is basic and polar, at codon 375 of the IDS protein (p.Glu375Lys). This variant is present in population databases (rs782634993, gnomAD 0.003%). This variant has not been reported in the literature in individuals affected with IDS-related conditions. ClinVar contains an entry for this variant (Variation ID: 969056). Invitae Evidence Modeling of protein sequence and biophysical properties (such as structural, functional, and spatial information, amino acid conservation, physicochemical variation, residue mobility, and thermodynamic stability) indicates that this missense variant is not expected to disrupt IDS protein function with a negative predictive value of 80%. In summary, the available evidence is currently insufficient to determine the role of this variant in disease. Therefore, it has been classified as a Variant of Uncertain Significance.

Natera, Inc.
Classification: Uncertain significance for Mucopolysaccharidosis type IIIA. Last evaluated: 2020-04-04. Review status: no assertion criteria provided. Collection method: clinical testing. Allele origin: germline. Not counted in ClinVar's aggregate classification.